The following is an entry in ClinVar:

NM_005883.3(APC2):c.5920C>T (p.Arg1974Cys)

Gene: APC2 (APC regulator of Wnt signaling pathway 2; plus strand). Cytogenetic location: 19p13.3.
Variant type: single nucleotide variant.
Coding change: c.5920C>T on transcript NM_005883.3 (MANE Select); coding-DNA position 5920, C replaced by T.
Protein change: p.Arg1974Cys; replaces arginine 1974 with cysteine.
Molecular consequence: missense variant.
Genome position (GRCh38, 1-based): chr19:1,469,221, C>T. VCF-style: chr19-1469221-C-T. GRCh37 (hg19) VCF-style: chr19-1469220-C-T.
Other names: c.5917C>T, p.Arg1973Cys (NM_001351273.1); short protein forms R1974C, R1973C.
Identifiers: ClinVar variation 2119462 (VCV002119462.6), dbSNP rs2084086286, ClinGen allele CA403042175.
Genomic context (GRCh38, chr19:1,469,221, plus strand): 5'-AGGGGCCGGGCGGGGACCGAGGCGGGCCCGGGGGCGCGCGGGGGCCGCCTGGGCCTGGTG[C>T]GTGTGGCCTCAGCCCTCTCCAGCGGCAGCGAGTCCTCCGACCGCTCGGGCTTCCGGCGAC-3'
Protein context (NP_005874.1, residues 1964-1984): GARGGRLGLV[Arg1974Cys]VASALSSGSE

ClinVar aggregate classification (germline): Uncertain significance. Review status: criteria provided, multiple submitters, no conflicts (2 of 4 stars). 2 submissions from 2 submitters: Uncertain significance (2). Last evaluated 2024-11-11.

Allele frequency attached by ClinVar (database versions not stated): TOPMed 0.00001; gnomAD 0.00001.

Submissions (2):

Labcorp Genetics (formerly Invitae), Labcorp
Classification: Uncertain significance. Last evaluated: 2024-11-11. Review status: criteria provided, single submitter. Criteria: Invitae Variant Classification Sherloc (09022015). Collection method: clinical testing. Allele origin: germline.
Comment: This sequence change replaces arginine, which is basic and polar, with cysteine, which is neutral and slightly polar, at codon 1974 of the APC2 protein (p.Arg1974Cys). This variant is not present in population databases (gnomAD no frequency). This variant has not been reported in the literature in individuals affected with APC2-related conditions. ClinVar contains an entry for this variant (Variation ID: 2119462). Invitae Evidence Modeling of protein sequence and biophysical properties (such as structural, functional, and spatial information, amino acid conservation, physicochemical variation, residue mobility, and thermodynamic stability) indicates that this missense variant is expected to disrupt APC2 protein function with a positive predictive value of 80%. In summary, the available evidence is currently insufficient to determine the role of this variant in disease. Therefore, it has been classified as a Variant of Uncertain Significance.

Dasa
Classification: Uncertain significance. Last evaluated: 2024-10-31. Review status: criteria provided, single submitter. Criteria: DASA Assertion Criteria. Collection method: clinical testing. Allele origin: germline.
Comment: NM_005883.3(APC2):c.5920C>T (p.Arg1974Cys) is a missense variant that results in the substitution of arginine with cysteine. This variant is rare in population databases. Computational prediction algorithms are consistent with a deleterious effect. The currently available literature and clinical evidence are not sufficient to establish a definitive association between this variant and the reported condition. Therefore, this variant is classified as a variant of uncertain significance.